The following is an entry in ClinVar:

NM_000218.3(KCNQ1):c.275C>G (p.Ser92Cys)

Gene: KCNQ1 (potassium voltage-gated channel subfamily Q member 1; plus strand). Cytogenetic location: 11p15.5.
Variant type: single nucleotide variant.
Coding change: c.275C>G on transcript NM_000218.3 (MANE Select); coding-DNA position 275, C replaced by G.
Protein change: p.Ser92Cys; replaces serine 92 with cysteine.
Molecular consequence: missense variant.
Genome position (GRCh38, 1-based): chr11:2,445,373, C>G. VCF-style: chr11-2445373-C-G. GRCh37 (hg19) VCF-style: chr11-2466603-C-G.
Other names: short protein forms S92C.
Identifiers: ClinVar variation 1211571 (VCV001211571.7), dbSNP rs752170852, ClinGen allele CA034747.

ClinVar aggregate classification (germline): Uncertain significance. Review status: criteria provided, multiple submitters, no conflicts (2 of 4 stars). 3 submissions from 3 submitters: Uncertain significance (3). Last evaluated 2025-09-23.

Conditions:
Cardiovascular phenotype. Identifiers: MedGen CN230736.
Long QT syndrome (LQTS). Identifiers: MedGen C0023976, MeSH D008133, MONDO:0002442. Disease mechanism: loss of function. Inheritance: Various modes of inheritance.

Allele frequency attached by ClinVar (database versions not stated): ExAC 0.00001.
gnomAD v4.1: 38 of 1,597,730 alleles (0.0024%); highest among the groups gnomAD compares: Non-Finnish European, 0.0031%; no homozygotes.

Submissions (3):

Labcorp Genetics (formerly Invitae), Labcorp
Classification: Uncertain significance for Long QT syndrome. Last evaluated: 2025-09-23. Review status: criteria provided, single submitter. Criteria: Invitae Variant Classification Sherloc (09022015). Collection method: clinical testing. Allele origin: germline.
Comment: This sequence change replaces serine, which is neutral and polar, with cysteine, which is neutral and slightly polar, at codon 92 of the KCNQ1 protein (p.Ser92Cys). This variant is present in population databases (rs752170852, gnomAD 0.001%). This variant has not been reported in the literature in individuals affected with KCNQ1-related conditions. ClinVar contains an entry for this variant (Variation ID: 1211571). Invitae Evidence Modeling of protein sequence and biophysical properties (such as structural, functional, and spatial information, amino acid conservation, physicochemical variation, residue mobility, and thermodynamic stability) has been performed for this missense variant. However, the output from this modeling did not meet the statistical confidence thresholds required to predict the impact of this variant on KCNQ1 protein function. In summary, the available evidence is currently insufficient to determine the role of this variant in disease. Therefore, it has been classified as a Variant of Uncertain Significance.

GeneDx
Classification: Uncertain significance. Last evaluated: 2025-06-12. Review status: criteria provided, single submitter. Criteria: GeneDx Variant Classification Process June 2021. Collection method: clinical testing. Allele origin: germline. Affected: yes.
Comment: Not observed at significant frequency in large population cohorts (gnomAD); In silico analysis suggests that this missense variant does not alter protein structure/function; Has not been previously published as pathogenic or benign to our knowledge

Ambry Genetics
Classification: Uncertain significance for Cardiovascular phenotype. Last evaluated: 2020-02-26. Review status: criteria provided, single submitter. Criteria: Ambry Variant Classification Scheme 2023. Collection method: clinical testing. Allele origin: germline.
Comment: The p.S92C variant (also known as c.275C>G), located in coding exon 1 of the KCNQ1 gene, results from a C to G substitution at nucleotide position 275. The serine at codon 92 is replaced by cysteine, an amino acid with dissimilar properties, and is located in the N-terminal region. This amino acid position is well conserved in available vertebrate species. In addition, the in silico prediction for this alteration is inconclusive.Since supporting evidence is limited at this time, the clinical significance of this alteration remains unclear.